The following is an entry in ClinVar:

ClinVar aggregate classification (germline): Uncertain significance (1 of 4 stars; one submission).

Allele frequency attached by ClinVar (database versions not stated): gnomAD 0.00001; TOPMed 0.00001; gnomAD exomes below 0.00001.
gnomAD v4.1: 8 of 1,614,070 alleles (0.0005%); highest among the groups gnomAD compares: Non-Finnish European, 0.00068%; no homozygotes.

Submission:

Labcorp Genetics (formerly Invitae), Labcorp
Classification: Uncertain significance. Last evaluated: 2024-01-15. Review status: criteria provided, single submitter. Criteria: Invitae Variant Classification Sherloc (09022015). Collection method: clinical testing. Allele origin: germline.
Comment: This sequence change replaces aspartic acid, which is acidic and polar, with asparagine, which is neutral and polar, at codon 87 of the SIAE protein (p.Asp87Asn). This variant is not present in population databases (gnomAD no frequency). This variant has not been reported in the literature in individuals affected with SIAE-related conditions. ClinVar contains an entry for this variant (Variation ID: 2062868). An algorithm developed to predict the effect of missense changes on protein structure and function (PolyPhen-2) suggests that this variant is likely to be tolerated. In summary, the available evidence is currently insufficient to determine the role of this variant in disease. Therefore, it has been classified as a Variant of Uncertain Significance.

NM_170601.5(SIAE):c.259G>A (p.Asp87Asn)

Gene: SIAE (sialic acid acetylesterase; minus strand). Cytogenetic location: 11q24.2.
Variant type: single nucleotide variant.
Coding change: c.259G>A on transcript NM_170601.5 (MANE Select); coding-DNA position 259, G replaced by A.
Protein change: p.Asp87Asn; replaces aspartic acid 87 with asparagine.
Molecular consequence: missense variant.
Genome position (GRCh38, 1-based): chr11:124,660,774, C>T on the plus strand (G>A on the coding strand, the complement: SIAE is on the minus strand). VCF-style: chr11-124660774-C-T. GRCh37 (hg19) VCF-style: chr11-124530670-C-T.
Other names: c.154G>A, p.Asp52Asn (NM_001199922.2); short protein forms D52N, D87N.
Identifiers: ClinVar variation 2062868 (VCV002062868.4), dbSNP rs986348893, ClinGen allele CA230365049.